The following is an entry in ClinVar:

ClinVar aggregate classification (germline): Benign/Likely benign. Review status: criteria provided, multiple submitters, no conflicts (2 of 4 stars). 4 submissions from 4 submitters: Benign (1); Likely benign (3). Last evaluated 2025-07-09.

Conditions:
Hereditary cancer-predisposing syndrome. Also called: Neoplastic Syndromes, Hereditary; Hereditary Cancer Syndrome; Tumor predisposition; Hereditary neoplastic syndrome. Identifiers: Orphanet 140162, MedGen C0027672, MeSH D009386, MONDO:0015356.
Familial adenomatous polyposis 1 (FAP1). Also called: FAMILIAL ADENOMATOUS POLYPOSIS 1, ATTENUATED; POLYPOSIS, ADENOMATOUS INTESTINAL. Identifiers: MedGen C2713442, MONDO:0021056, OMIM 175100. Disease mechanism: loss of function.

Submissions (4):

Labcorp Genetics (formerly Invitae), Labcorp
Classification: Likely benign for Familial adenomatous polyposis 1. Last evaluated: 2025-07-09. Review status: criteria provided, single submitter. Criteria: Invitae Variant Classification Sherloc (09022015). Collection method: clinical testing. Allele origin: germline.

Myriad Genetics, Inc.
Classification: Benign for Familial adenomatous polyposis 1. Last evaluated: 2024-04-02. Review status: criteria provided, single submitter. Criteria: Myriad Autosomal Dominant, Autosomal Recessive and X-Linked Classification Criteria (2023). Collection method: clinical testing. Allele origin: unknown.
Comment: This variant is considered benign. This variant is a silent/synonymous amino acid change and it is not expected to impact splicing.

Color Diagnostics, LLC DBA Color Health
Classification: Likely benign for Hereditary cancer-predisposing syndrome. Last evaluated: 2020-05-11. Review status: criteria provided, single submitter. Criteria: ACMG Guidelines, 2015. Collection method: clinical testing. Allele origin: germline.

Ambry Genetics
Classification: Likely benign for Hereditary cancer-predisposing syndrome. Last evaluated: 2020-04-29. Review status: criteria provided, single submitter. Criteria: Ambry Variant Classification Scheme 2023. Collection method: clinical testing. Allele origin: germline.

NM_000038.6(APC):c.5673G>A (p.Glu1891=)

Gene: APC (APC regulator of Wnt signaling pathway; plus strand). Cytogenetic location: 5q22.2.
Variant type: single nucleotide variant.
Coding change: c.5673G>A on transcript NM_000038.6 (MANE Select); coding-DNA position 5673, G replaced by A.
Protein change: p.Glu1891=; no amino-acid change (glutamic acid 1891 retained).
Molecular consequence: synonymous variant.
Genome position (GRCh38, 1-based): chr5:112,841,267, G>A. VCF-style: chr5-112841267-G-A. GRCh37 (hg19) VCF-style: chr5-112176964-G-A.
Other names: c.5673G>A, p.Glu1891= (NM_001127510.3, NM_001354895.2); c.5619G>A, p.Glu1873= (NM_001127511.3); c.5727G>A, p.Glu1909= (NM_001354896.2); c.5703G>A, p.Glu1901= (NM_001354897.2); c.5598G>A, p.Glu1866= (NM_001354898.2); c.5589G>A, p.Glu1863= (NM_001354899.2); c.5550G>A, p.Glu1850= (NM_001354900.2); c.5496G>A, p.Glu1832= (NM_001354901.2); and 5 more.
Identifiers: ClinVar variation 744502 (VCV000744502.17), dbSNP rs1554086868, ClinGen allele CA446209367.